The following is an entry in ClinVar:

NM_024529.5(CDC73):c.729+3A>G

Gene: CDC73 (cell division cycle 73; plus strand). Cytogenetic location: 1q31.2.
Variant type: single nucleotide variant.
Coding change: c.729+3A>G on transcript NM_024529.5 (MANE Select); 3 bases into the intron after coding-DNA position 729, A replaced by G.
Molecular consequence: intron variant.
Genome position (GRCh38, 1-based): chr1:193,142,069, A>G. VCF-style: chr1-193142069-A-G. GRCh37 (hg19) VCF-style: chr1-193111199-A-G.
Identifiers: ClinVar variation 2035299 (VCV002035299.4), dbSNP rs2103126528, ClinGen allele CA2580061766.

ClinVar aggregate classification (germline): Uncertain significance (1 of 4 stars; one submission).

Conditions:
Parathyroid carcinoma (PRTC). Also called: Parathyroid gland carcinoma; CDC73-Related Parathyroid Carcinoma. Identifiers: Orphanet 143, MedGen C0687150, MONDO:0012004, OMIM 608266, HP:0006780.

gnomAD v4.1: 1 of 1,605,068 alleles (0.000062%); no homozygotes.

Submission:

Labcorp Genetics (formerly Invitae), Labcorp
Classification: Uncertain significance for Parathyroid carcinoma. Last evaluated: 2022-10-13. Review status: criteria provided, single submitter. Criteria: Invitae Variant Classification Sherloc (09022015). Collection method: clinical testing. Allele origin: germline.
Comment: In summary, the available evidence is currently insufficient to determine the role of this variant in disease. Therefore, it has been classified as a Variant of Uncertain Significance. Variants that disrupt the consensus splice site are a relatively common cause of aberrant splicing (PMID: 17576681, 9536098). Algorithms developed to predict the effect of sequence changes on RNA splicing suggest that this variant is not likely to affect RNA splicing. This variant has not been reported in the literature in individuals affected with CDC73-related conditions. This variant is not present in population databases (gnomAD no frequency). This sequence change falls in intron 7 of the CDC73 gene. It does not directly change the encoded amino acid sequence of the CDC73 protein. It affects a nucleotide within the consensus splice site.

Literature cited by the submitters: PubMed 17576681; PubMed 9536098.